The following is an entry in ClinVar:

ClinVar aggregate classification (germline): Uncertain significance. Review status: criteria provided, multiple submitters, no conflicts (2 of 4 stars). 2 submissions from 2 submitters: Uncertain significance (2). Last evaluated 2026-02-09.

Conditions:
Ataxia-telangiectasia syndrome (AT). Also called: ATAXIA-TELANGIECTASIA, COMPLEMENTATION GROUP A; ATAXIA-TELANGIECTASIA, FRESNO VARIANT; Ataxia-telangiectasia; Ataxia-telangiectasia, complementation group E; LOUIS-BAR SYNDROME; Cerebello-oculocutaneous telangiectasia. Identifiers: Orphanet 100, MedGen C0004135, MONDO:0008840, OMIM 208900.
Hereditary cancer-predisposing syndrome. Also called: Tumor predisposition; Hereditary Cancer Syndrome; Hereditary neoplastic syndrome; Neoplastic Syndromes, Hereditary. Identifiers: Orphanet 140162, MedGen C0027672, MeSH D009386, MONDO:0015356.

Submissions (2):

Ambry Genetics
Classification: Uncertain significance for Hereditary cancer-predisposing syndrome. Last evaluated: 2026-02-09. Review status: criteria provided, single submitter. Criteria: Ambry Variant Classification Scheme 2023. Collection method: clinical testing. Allele origin: germline.
Comment: The p.E2744K variant (also known as c.8230G>A), located in coding exon 55 of the ATM gene, results from a G to A substitution at nucleotide position 8230. The glutamic acid at codon 2744 is replaced by lysine, an amino acid with similar properties. In an assay testing ATM function, this variant showed a functionally normal result (Lee KS et al. Cell, 2025 Sep;188:5081-5099.e27). This amino acid position is well conserved in available vertebrate species. In addition, the in silico prediction for this alteration is inconclusive. Based on the available evidence, the clinical significance of this variant remains unclear.

Labcorp Genetics (formerly Invitae), Labcorp
Classification: Uncertain significance for Ataxia-telangiectasia syndrome. Last evaluated: 2023-09-20. Review status: criteria provided, single submitter. Criteria: Invitae Variant Classification Sherloc (09022015). Collection method: clinical testing. Allele origin: germline.
Comment: In summary, the available evidence is currently insufficient to determine the role of this variant in disease. Therefore, it has been classified as a Variant of Uncertain Significance. This sequence change replaces glutamic acid, which is acidic and polar, with lysine, which is basic and polar, at codon 2744 of the ATM protein (p.Glu2744Lys). This variant is not present in population databases (gnomAD no frequency). This missense change has been observed in individual(s) with breast cancer (PMID: 30287823). An algorithm developed to predict the effect of missense changes on protein structure and function (PolyPhen-2) suggests that this variant is likely to be disruptive.

Literature cited by the submitters: PubMed 40580951 (cited by Ambry Genetics); PubMed 30287823 (cited by Labcorp Genetics (formerly Invitae), Labcorp).

NM_000051.4(ATM):c.8230G>A (p.Glu2744Lys)

Genes: ATM (ATM serine/threonine kinase; plus strand), C11orf65 (chromosome 11 open reading frame 65; minus strand). Cytogenetic location: 11q22.3.
Variant type: single nucleotide variant.
Coding change: c.8230G>A on transcript NM_000051.4 (MANE Select); coding-DNA position 8230, G replaced by A.
Protein change: p.Glu2744Lys; replaces glutamic acid 2744 with lysine.
Molecular consequence: missense variant. On other transcripts: intron variant (2).
Genome position (GRCh38, 1-based): chr11:108,335,923, G>A. VCF-style: chr11-108335923-G-A. GRCh37 (hg19) VCF-style: chr11-108206650-G-A.
Other names: c.8230G>A, p.Glu2744Lys (NM_001351834.2); c.641-26852C>T (NM_001330368.2); c.695-631C>T (NM_001351110.2); short protein forms E2744K.
Identifiers: ClinVar variation 2915468 (VCV002915468.4), dbSNP rs2136698028, ClinGen allele CA382562623.